The following is an entry in ClinVar:

ClinVar aggregate classification (germline): Benign. Review status: criteria provided, multiple submitters, no conflicts (2 of 4 stars). 4 submissions from 2 submitters: Benign (4). Last evaluated 2018-01-12.

Conditions:
Rabson-Mendenhall syndrome. Also called: MENDENHALL SYNDROME; Pineal Hyperplasia, Insulin-Resistant Diabetes Mellitus, and Somatic Abnormalities; Pineal hyperplasia AND diabetes mellitus syndrome. Identifiers: Orphanet 769, MedGen C0271695, MONDO:0009874, OMIM 262190.
Leprechaunism syndrome. Also called: Donohue syndrome; LEPRECHAUNISM. Identifiers: Orphanet 508, MedGen C0265344, MONDO:0009517, OMIM 246200.
Insulin-resistant diabetes mellitus AND acanthosis nigricans. Also called: Insulin-resistance syndrome type A; INSULIN RECEPTOR, DEFECT IN, WITH INSULIN-RESISTANT DIABETES MELLITUS AND ACANTHOSIS NIGRICANS; IRAN, TYPE A; type A insulin resistance; DIABETES MELLITUS, INSULIN-RESISTANT, WITH ACANTHOSIS NIGRICANS, TYPE A. Identifiers: Orphanet 2297, MedGen C0342278, MONDO:0012520, OMIM 610549.

Allele frequency attached by ClinVar (database versions not stated): gnomAD exomes 0.59615; gnomAD 0.67433 and 0.67579; TOPMed 0.68391; 1000 Genomes Project 30x 0.71674; 1000 Genomes Project 0.71765.
gnomAD v4.1: 102,631 of 152,046 alleles (67%); highest among the groups gnomAD compares: East Asian, 79%; 34,940 homozygotes.

Submissions (4):

Illumina Laboratory Services, Illumina
Classification: Benign for Rabson-Mendenhall syndrome. Last evaluated: 2018-01-12. Review status: criteria provided, single submitter. Criteria: ICSL Variant Classification Criteria 13 December 2019. Collection method: clinical testing. Allele origin: germline.
Comment: This variant was observed in the ICSL laboratory as part of a predisposition screen in an ostensibly healthy population. It had not been previously curated by ICSL or reported in the Human Gene Mutation Database (HGMD: prior to June 1st, 2018), and was therefore a candidate for classification through an automated scoring system. Utilizing variant allele frequency, disease prevalence and penetrance estimates, and inheritance mode, an automated score was calculated to assess if this variant is too frequent to cause the disease. Based on the score and internal cut-off values, a variant classified as benign is not then subjected to further curation. The score for this variant resulted in a classification of benign for this disease.

Illumina Laboratory Services, Illumina
Classification: Benign for Insulin-resistant diabetes mellitus AND acanthosis nigricans. Last evaluated: 2018-01-12. Review status: criteria provided, single submitter. Criteria: ICSL Variant Classification Criteria 13 December 2019. Collection method: clinical testing. Allele origin: germline.
Comment: the same text as in the submission from Illumina Laboratory Services, Illumina above.

Illumina Laboratory Services, Illumina
Classification: Benign for Leprechaunism syndrome. Last evaluated: 2018-01-12. Review status: criteria provided, single submitter. Criteria: ICSL Variant Classification Criteria 13 December 2019. Collection method: clinical testing. Allele origin: germline.
Comment: the same text as in the submission from Illumina Laboratory Services, Illumina above.

Breakthrough Genomics
Classification: Benign. Review status: criteria provided, single submitter. Criteria: ACMG Guidelines, 2015. Collection method: not provided. Allele origin: germline. Inheritance: Autosomal recessive inheritance. Affected: yes.

NM_000208.4(INSR):c.*2779G>A

Gene: INSR (insulin receptor; minus strand). Cytogenetic location: 19p13.2.
Variant type: single nucleotide variant.
Coding change: c.*2779G>A on transcript NM_000208.4 (MANE Select); 2779 bases downstream of the stop codon, G replaced by A.
Molecular consequence: 3 prime UTR variant.
Genome position (GRCh38, 1-based): chr19:7,114,277, C>T on the plus strand (G>A on the coding strand, the complement: INSR is on the minus strand). VCF-style: chr19-7114277-C-T. GRCh37 (hg19) VCF-style: chr19-7114288-C-T.
Other names: c.*2779G>A (NM_001079817.3).
Identifiers: ClinVar variation 330380 (VCV000330380.6), dbSNP rs3745551, ClinGen allele CA10652841.